The following is an entry in ClinVar:

NC_000013.11:g.33016362_33016466del

Gene: KL (klotho; plus strand). Cytogenetic location: 13q13.1.
Variant type: Deletion.
Genome position: GRCh38: chr13:33,016,362-33,016,466. GRCh37 (hg19): chr13:33,590,500-33,590,604.
Identifiers: ClinVar variation 2055714 (VCV002055714.5), dbSNP rs2501693376, ClinGen allele CA2569553732.

ClinVar aggregate classification (germline): Uncertain significance (1 of 4 stars; one submission).

Submission:

Labcorp Genetics (formerly Invitae), Labcorp
Classification: Uncertain significance. Last evaluated: 2021-04-25. Review status: criteria provided, single submitter. Criteria: Invitae Variant Classification Sherloc (09022015). Collection method: clinical testing. Allele origin: germline.
Comment: In summary, the available evidence is currently insufficient to determine the role of this variant in disease. Therefore, it has been classified as a Variant of Uncertain Significance. This variant has not been reported in the literature in individuals with KL-related conditions. The frequency data for this variant in the population databases is considered unreliable, as metrics indicate insufficient coverage at this position in the ExAC database. This variant results in the deletion of part of exon 1 (c.-79_26del) of the KL gene. It is expected to result in an absent or disrupted protein product. However, the current clinical and genetic evidence is not sufficient to establish whether loss-of-function variants in KL cause disease. Experimental studies and prediction algorithms are not available or were not evaluated, and the functional significance of this variant is currently unknown.